The following is an entry in ClinVar:

ClinVar aggregate classification (germline): Likely benign. Review status: criteria provided, single submitter (1 of 4 stars). 2 submissions from 2 submitters: Likely benign (1). 1 of the submissions does not count toward it. Last evaluated 2024-05-22.

Conditions:
FBXO11-related disorder. Also called: FBXO11-related condition.

Submissions (2):

Labcorp Genetics (formerly Invitae), Labcorp
Classification: Likely benign. Last evaluated: 2024-05-22. Review status: criteria provided, single submitter. Criteria: Invitae Variant Classification Sherloc (09022015). Collection method: clinical testing. Allele origin: germline.

PreventionGenetics, part of Exact Sciences
Classification: Likely benign for FBXO11-related condition. Last evaluated: 2023-12-04. Review status: no assertion criteria provided. Collection method: clinical testing. Allele origin: germline. Not counted in ClinVar's aggregate classification.
Comment: This variant is classified as likely benign based on ACMG/AMP sequence variant interpretation guidelines (Richards et al. 2015 PMID: 25741868, with internal and published modifications).

NM_001190274.2(FBXO11):c.2691T>C (p.Asn897=)

Genes: FBXO11 (F-box protein 11; minus strand), MSH6 (mutS homolog 6; plus strand). Cytogenetic location: 2p16.3.
Variant type: single nucleotide variant.
Coding change: c.2691T>C on transcript NM_001190274.2 (MANE Select); coding-DNA position 2691, T replaced by C.
Protein change: p.Asn897=; no amino-acid change (asparagine 897 retained).
Molecular consequence: synonymous variant.
Genome position (GRCh38, 1-based): chr2:47,808,211, A>G on the plus strand (T>C on the coding strand, the complement: FBXO11 is on the minus strand). VCF-style: chr2-47808211-A-G. GRCh37 (hg19) VCF-style: chr2-48035350-A-G.
Other names: c.2439T>C, p.Asn813= (NM_001374325.1, NM_025133.4); c.2691T>C (NM_001190274.1).
Identifiers: ClinVar variation 1660996 (VCV001660996.10), dbSNP rs2104611324, ClinGen allele CA426000073.